The following is an entry in ClinVar:

NM_000179.3(MSH6):c.1022C>A (p.Ser341Tyr)

Gene: MSH6 (mutS homolog 6; plus strand). Cytogenetic location: 2p16.3.
Variant type: single nucleotide variant.
Coding change: c.1022C>A on transcript NM_000179.3 (MANE Select); coding-DNA position 1022, C replaced by A.
Protein change: p.Ser341Tyr; replaces serine 341 with tyrosine.
Molecular consequence: missense variant.
Genome position (GRCh38, 1-based): chr2:47,799,005, C>A. VCF-style: chr2-47799005-C-A. GRCh37 (hg19) VCF-style: chr2-48026144-C-A.
Other names: c.632C>A, p.Ser211Tyr (NM_001281492.2); c.116C>A, p.Ser39Tyr (NM_001281493.2, NM_001281494.2); short protein forms S211Y, S341Y, S39Y.
Identifiers: ClinVar variation 801215 (VCV000801215.12), dbSNP rs766202031, ClinGen allele CA346741344.

ClinVar aggregate classification (germline): Uncertain significance. Review status: criteria provided, multiple submitters, no conflicts (2 of 4 stars). 2 submissions from 2 submitters: Uncertain significance (2). Last evaluated 2024-03-07.

Conditions:
Hereditary nonpolyposis colorectal neoplasms. Identifiers: MedGen C0009405, MeSH D003123.

Submissions (2):

Labcorp Genetics (formerly Invitae), Labcorp
Classification: Uncertain significance for Hereditary nonpolyposis colorectal neoplasms. Last evaluated: 2024-03-07. Review status: criteria provided, single submitter. Criteria: Invitae Variant Classification Sherloc (09022015). Collection method: clinical testing. Allele origin: germline.
Comment: This sequence change replaces serine, which is neutral and polar, with tyrosine, which is neutral and polar, at codon 341 of the MSH6 protein (p.Ser341Tyr). This variant is not present in population databases (gnomAD no frequency). This variant has not been reported in the literature in individuals affected with MSH6-related conditions. ClinVar contains an entry for this variant (Variation ID: 801215). Advanced modeling of protein sequence and biophysical properties (such as structural, functional, and spatial information, amino acid conservation, physicochemical variation, residue mobility, and thermodynamic stability) performed at Invitae indicates that this missense variant is not expected to disrupt MSH6 protein function with a negative predictive value of 95%. In summary, the available evidence is currently insufficient to determine the role of this variant in disease. Therefore, it has been classified as a Variant of Uncertain Significance.

Quest Diagnostics Nichols Institute San Juan Capistrano
Classification: Uncertain significance. Last evaluated: 2019-06-13. Review status: criteria provided, single submitter. Criteria: Quest Diagnostics criteria. Collection method: clinical testing. Allele origin: germline.